The following is an entry in ClinVar:

NM_000256.3(MYBPC3):c.3142C>T (p.Arg1048Cys)

Gene: MYBPC3 (myosin binding protein C3; minus strand). Cytogenetic location: 11p11.2.
Variant type: single nucleotide variant.
Coding change: c.3142C>T on transcript NM_000256.3 (MANE Select); coding-DNA position 3142, C replaced by T.
Protein change: p.Arg1048Cys; replaces arginine 1048 with cysteine.
Molecular consequence: missense variant.
Genome position (GRCh38, 1-based): chr11:47,333,605, G>A on the plus strand (C>T on the coding strand, the complement: MYBPC3 is on the minus strand). VCF-style: chr11-47333605-G-A. GRCh37 (hg19) VCF-style: chr11-47355156-G-A.
Other names: c.3142C>T, p.Arg1048Cys (LRG_386t1); short protein forms R1048C.
Identifiers: ClinVar variation 518771 (VCV000518771.14), dbSNP rs11570113, ClinGen allele CA079159.

ClinVar aggregate classification (germline): Uncertain significance. Review status: criteria provided, multiple submitters, no conflicts (2 of 4 stars). 4 submissions from 4 submitters: Uncertain significance (4). Last evaluated 2023-06-17.

Conditions:
Cardiovascular phenotype. Identifiers: MedGen CN230736.
Hypertrophic cardiomyopathy. Also called: HYPERTROPHIC MYOCARDIOPATHY. Identifiers: Orphanet 217569, MedGen C0007194, MeSH D002312, MONDO:0005045, HP:0001639.
Cardiomyopathy (CMYO). Also called: Cardiomyopathies. Identifiers: Orphanet 167848, MedGen C0878544, MONDO:0004994, HP:0001638. Inheritance: Various modes of inheritance.

Allele frequency attached by ClinVar (database versions not stated): gnomAD exomes 0.00001; ExAC 0.00002; ESP Exome Variant Server 0.00008.
gnomAD v4.1: 18 of 1,603,436 alleles (0.0011%); highest among the groups gnomAD compares: Admixed American, 0.0017%; no homozygotes.

Submissions (4):

Labcorp Genetics (formerly Invitae), Labcorp
Classification: Uncertain significance for Hypertrophic cardiomyopathy. Last evaluated: 2023-06-17. Review status: criteria provided, single submitter. Criteria: Invitae Variant Classification Sherloc (09022015). Collection method: clinical testing. Allele origin: germline.
Comment: This sequence change replaces arginine, which is basic and polar, with cysteine, which is neutral and slightly polar, at codon 1048 of the MYBPC3 protein (p.Arg1048Cys). This variant is present in population databases (rs11570113, gnomAD 0.003%). This variant has not been reported in the literature in individuals affected with MYBPC3-related conditions. ClinVar contains an entry for this variant (Variation ID: 518771). An algorithm developed to predict the effect of missense changes on protein structure and function (PolyPhen-2) suggests that this variant is likely to be disruptive. In summary, the available evidence is currently insufficient to determine the role of this variant in disease. Therefore, it has been classified as a Variant of Uncertain Significance.

Ambry Genetics
Classification: Uncertain significance for Cardiovascular phenotype. Last evaluated: 2022-08-31. Review status: criteria provided, single submitter. Criteria: Ambry Variant Classification Scheme 2023. Collection method: clinical testing. Allele origin: germline.
Comment: The p.R1048C variant (also known as c.3142C>T), located in coding exon 29 of the MYBPC3 gene, results from a C to T substitution at nucleotide position 3142. The arginine at codon 1048 is replaced by cysteine, an amino acid with highly dissimilar properties. This amino acid position is not well conserved in available vertebrate species. In addition, this alteration is predicted to be tolerated by in silico analysis. Since supporting evidence is limited at this time, the clinical significance of this alteration remains unclear.

Color Diagnostics, LLC DBA Color Health
Classification: Uncertain significance for Cardiomyopathy. Last evaluated: 2021-11-30. Review status: criteria provided, single submitter. Criteria: ACMG Guidelines, 2015. Collection method: clinical testing. Allele origin: germline.
Comment: This missense variant replaces arginine with cysteine at codon 1048 of the MYBPC3 protein. Computational prediction suggests that this variant may not impact protein structure and function (internally defined REVEL score threshold <= 0.5, PMID: 27666373). To our knowledge, functional studies have not been reported for this variant. This variant has not been reported in individuals affected with cardiovascular disorders in the literature. This variant has been identified in 3/241846 chromosomes in the general population by the Genome Aggregation Database (gnomAD). The available evidence is insufficient to determine the role of this variant in disease conclusively. Therefore, this variant is classified as a Variant of Uncertain Significance.

Centre for Mendelian Genomics, University Medical Centre Ljubljana
Classification: Uncertain significance for Hypertrophic cardiomyopathy. Last evaluated: 2017-01-01. Review status: criteria provided, single submitter. Criteria: ACMG Guidelines, 2015. Collection method: clinical testing. Allele origin: unknown. Affected: yes.